The following is an entry in ClinVar:

NM_001291303.3(FAT4):c.11624G>A (p.Ser3875Asn)

Gene: FAT4 (FAT atypical cadherin 4; plus strand). Cytogenetic location: 4q28.1.
Variant type: single nucleotide variant.
Coding change: c.11624G>A on transcript NM_001291303.3 (MANE Select); coding-DNA position 11624, G replaced by A.
Protein change: p.Ser3875Asn; replaces serine 3875 with asparagine.
Molecular consequence: missense variant.
Genome position (GRCh38, 1-based): chr4:125,452,634, G>A. VCF-style: chr4-125452634-G-A. GRCh37 (hg19) VCF-style: chr4-126373789-G-A.
Other names: p.Ser3873Asn; c.11624G>A, p.Ser3875Asn (NM_001291285.3); c.11618G>A, p.Ser3873Asn (NM_024582.6); short protein forms S3873N, S3875N.
Identifiers: ClinVar variation 380797 (VCV000380797.20), dbSNP rs12650153, ClinGen allele CA3073887.

ClinVar aggregate classification (germline): Benign. Review status: criteria provided, multiple submitters, no conflicts (2 of 4 stars). 12 submissions from 11 submitters: Benign (9). 3 of the submissions do not count toward it. Last evaluated 2026-02-04.

Conditions:
Van Maldergem syndrome 2 (VMLDS2). Identifiers: Orphanet 314679, MedGen C3809875, MONDO:0014242, OMIM 615546.
Hennekam lymphangiectasia-lymphedema syndrome 2 (HKLLS2). Identifiers: Orphanet 2136, MedGen C4014939, MONDO:0014454, OMIM 616006.

Allele frequency attached by ClinVar (database versions not stated): gnomAD exomes 0.99933 and 0.99816; 1000 Genomes Project 30x 0.98829; 1000 Genomes Project 0.99101; TOPMed 0.99198; ESP Exome Variant Server 0.99247; gnomAD 0.99272 and 0.99309; ExAC 0.99777.
gnomAD v4.1: 1,612,121 of 1,614,192 alleles (100%); highest among the groups gnomAD compares: East Asian, 100%; 805,050 homozygotes.

Submissions (12):

Labcorp Genetics (formerly Invitae), Labcorp
Classification: Benign. Last evaluated: 2026-02-04. Review status: criteria provided, single submitter. Criteria: Invitae Variant Classification Sherloc (09022015). Collection method: clinical testing. Allele origin: germline.

Blueprint Genetics
Classification: Benign. Last evaluated: 2024-11-26. Review status: criteria provided, single submitter. Criteria: ACMG Guidelines, 2015. Collection method: clinical testing. Allele origin: germline.

Unidad de Genómica Garrahan, Hospital de Pediatría Garrahan
Classification: Benign. Last evaluated: 2024-01-24. Review status: criteria provided, single submitter. Criteria: ACMG Guidelines, 2015. Collection method: clinical testing. Allele origin: germline. Affected: no. Observed: 95 variant alleles.
Comment: This variant is classified as Benign based on local population frequency. This variant was detected in 100% of patients studied by a panel of primary immunodeficiencies. Number of patients: 95. Only high quality variants are reported.

Genome-Nilou Lab
Classification: Benign for Hennekam lymphangiectasia-lymphedema syndrome 2. Last evaluated: 2021-08-10. Review status: criteria provided, single submitter. Criteria: ACMG Guidelines, 2015. Collection method: clinical testing. Allele origin: germline. Affected: no.

Genome-Nilou Lab
Classification: Benign for Van Maldergem syndrome 2. Last evaluated: 2021-08-10. Review status: criteria provided, single submitter. Criteria: ACMG Guidelines, 2015. Collection method: clinical testing. Allele origin: germline. Affected: no.

Mayo Clinic Laboratories, Mayo Clinic
Classification: Benign. Last evaluated: 2021-04-07. Review status: criteria provided, single submitter. Criteria: ACMG Guidelines, 2015. Collection method: clinical testing. Allele origin: germline. Observed: 3 variant alleles.

Mendelics
Classification: Benign for Van Maldergem syndrome 2. Last evaluated: 2019-05-28. Review status: criteria provided, single submitter. Criteria: Mendelics Assertion Criteria 2017. Collection method: clinical testing. Allele origin: unknown.

GeneDx
Classification: Benign. Last evaluated: 2016-01-08. Review status: criteria provided, single submitter. Criteria: GeneDx Variant Classification (06012015). Collection method: clinical testing. Allele origin: germline. Affected: yes.
Comment: This variant is considered likely benign or benign based on one or more of the following criteria: it is a conservative change, it occurs at a poorly conserved position in the protein, it is predicted to be benign by multiple in silico algorithms, and/or has population frequency not consistent with disease.

Breakthrough Genomics
Classification: Benign. Review status: criteria provided, single submitter. Criteria: ACMG Guidelines, 2015. Collection method: not provided. Allele origin: germline. Inheritance: Autosomal recessive inheritance. Affected: yes.

Clinical Genetics DNA and cytogenetics Diagnostics Lab, Erasmus MC, Erasmus Medical Center
Classification: Benign. Review status: no assertion criteria provided. Collection method: clinical testing. Allele origin: germline. Affected: yes. Study: VKGL Data-share Consensus. Not counted in ClinVar's aggregate classification.

Clinical Genetics, Academic Medical Center
Classification: Benign. Review status: no assertion criteria provided. Collection method: clinical testing. Allele origin: germline. Affected: yes. Study: VKGL Data-share Consensus. Not counted in ClinVar's aggregate classification.

Joint Genome Diagnostic Labs from Nijmegen and Maastricht, Radboudumc and MUMC+
Classification: Benign. Review status: no assertion criteria provided. Collection method: clinical testing. Allele origin: germline. Affected: yes. Study: VKGL Data-share Consensus. Not counted in ClinVar's aggregate classification.